The following is an entry in ClinVar:

ClinVar aggregate classification (germline): Likely pathogenic (1 of 4 stars; one submission).

Conditions:
Hyperinsulinemic hypoglycemia, familial, 1 (HHF1). Also called: NESIDIOBLASTOSIS OF PANCREAS; Persistent hyperinsulinemic hypoglycemia of infancy; HYPERINSULINISM, FAMILIAL, WITH PANCREATIC NESIDIOBLASTOSIS; HYPOGLYCEMIA, HYPERINSULINEMIC, OF INFANCY; Persistent Hyperinsulinemia Hypoglycemia of Infancy. Identifiers: Orphanet 276575, Orphanet 276598, MedGen C2931832, MONDO:0009734, OMIM 256450.

Submission:

Victorian Clinical Genetics Services, Murdoch Childrens Research Institute
Classification: Likely pathogenic for Hyperinsulinemic hypoglycemia, familial, 1. Last evaluated: 2025-12-10. Review status: criteria provided, single submitter. Criteria: ACMG Guidelines, 2015. Collection method: clinical testing. Allele origin: germline.
Comment: This variant is classified as Likely pathogenic. Evidence in support of pathogenic classification: Variant is absent from gnomAD (v2, v3 and v4); This variant has limited previous evidence of pathogenicity in an unrelated individual. This variant has been reported in the literature in a heterozygous state in an individual with congenital hyperinsulinism (PMID: 33410562); This variant has moderate functional evidence supporting abnormal protein function. This variant has been shown to inhibit the production of mature glycosylated SUR1 and reduce KATP channel activity (PMID: 33410562); Other missense variants comparable to the one identified in this case have limited previous evidence for pathogenicity. The p.(Gly684Ala) variant has been classified as a VUS by a clinical laboratory in ClinVar, and the p.(Gly684Glu) variant has been reported in one individual with focal congenital hyperinsulinism (PMID: 20685672); Missense variant predicted to be damaging by in silico tool(s) or highly conserved with a major amino acid change. Additional information: Variant is predicted to result in a missense amino acid change from Gly to Asp; This variant is heterozygous; This gene is known to be associated with both recessive and dominant disease. The ABCC8 gene has been associated with both autosomal recessive and dominant disease (PMID: 32027066); No published evidence of segregation with disease has been identified for this variant; Variant is not located in an established domain, motif, hotspot or informative constraint region; Loss of function and gain of function are known mechanisms of disease in this gene. Gain of function is associated with diabetes mellitus, noninsulin-dependent (MIM#125853), diabetes mellitus, permanent neonatal 3, with or without neurologic features (MIM#618857), and diabetes mellitus, transient neonatal 2 (MIM#610374). Loss of function is associated with hyperinsulinaemic hypoglycaemia, familial, 1 (MIM#256450), and hypoglycaemia of infancy, leucine-sensitive (MIM#240800) (PMID: 32376986, 32027066); Variants in this gene are known to have variable expressivity. Variants in this gene have been associated with both permanent and transient diabetes (PMID: 26208381, 32027066); Inheritance information for this variant is not currently available in this individual.

Literature cited by the submitters: PubMed 26208381; PubMed 32027066; PubMed 32376986; PubMed 20685672; PubMed 33410562.

NM_000352.6(ABCC8):c.2051G>A (p.Gly684Asp)

Gene: ABCC8 (ATP binding cassette subfamily C member 8; minus strand). Cytogenetic location: 11p15.1.
Variant type: single nucleotide variant.
Coding change: c.2051G>A on transcript NM_000352.6 (MANE Select); coding-DNA position 2051, G replaced by A.
Protein change: p.Gly684Asp; replaces glycine 684 with aspartic acid.
Molecular consequence: missense variant. On other transcripts: non-coding transcript variant (1).
Genome position (GRCh38, 1-based): chr11:17,427,932, C>T on the plus strand (G>A on the coding strand, the complement: ABCC8 is on the minus strand). VCF-style: chr11-17427932-C-T. GRCh37 (hg19) VCF-style: chr11-17449479-C-T.
Other names: c.2051G>A, p.Gly684Asp (NM_001287174.3); c.2117G>A, p.Gly706Asp (NM_001351295.2); c.2048G>A, p.Gly683Asp (NM_001351296.2, NM_001351297.2); short protein forms G683D, G684D, G706D.
Identifiers: ClinVar variation 4818990 (VCV004818990.1).